The following is an entry in ClinVar:

ClinVar aggregate classification (germline): Benign. Review status: criteria provided, single submitter (1 of 4 stars). 2 submissions from 2 submitters: Benign (1). 1 of the submissions does not count toward it. Last evaluated 2018-07-10.

Conditions:
TP53BP2-related disorder. Also called: TP53BP2-related condition.

Allele frequency attached by ClinVar (database versions not stated): gnomAD exomes 0.00018 and 0.00053; ExAC 0.00057; 1000 Genomes Project 0.00120; 1000 Genomes Project 30x 0.00141; gnomAD 0.00231 and 0.00252; ESP Exome Variant Server 0.00261; TOPMed 0.00271.
gnomAD v4.1: 626 of 1,613,852 alleles (0.039%); highest among the groups gnomAD compares: African/African-American, 0.76%; 4 homozygotes.

Submissions (2):

Labcorp Genetics (formerly Invitae), Labcorp
Classification: Benign. Last evaluated: 2018-07-10. Review status: criteria provided, single submitter. Criteria: Invitae Variant Classification Sherloc (09022015). Collection method: clinical testing. Allele origin: germline.

PreventionGenetics, part of Exact Sciences
Classification: Benign for TP53BP2-related condition. Last evaluated: 2019-06-18. Review status: no assertion criteria provided. Collection method: clinical testing. Allele origin: germline. Not counted in ClinVar's aggregate classification.
Comment: This variant is classified as benign based on ACMG/AMP sequence variant interpretation guidelines (Richards et al. 2015 PMID: 25741868, with internal and published modifications).

NM_001031685.3(TP53BP2):c.996+9G>A

Gene: TP53BP2 (tumor protein p53 binding protein 2; minus strand). Cytogenetic location: 1q41.
Variant type: single nucleotide variant.
Coding change: c.996+9G>A on transcript NM_001031685.3 (MANE Select); 9 bases into the intron after coding-DNA position 996, G replaced by A.
Molecular consequence: intron variant.
Genome position (GRCh38, 1-based): chr1:223,802,722, C>T on the plus strand (G>A on the coding strand, the complement: TP53BP2 is on the minus strand). VCF-style: chr1-223802722-C-T. GRCh37 (hg19) VCF-style: chr1-223990424-C-T.
Other names: c.609+9G>A (NM_005426.3).
Identifiers: ClinVar variation 711806 (VCV000711806.5), dbSNP rs150044625, ClinGen allele CA1412956.
Genomic context (GRCh38, chr1:223,802,722, plus strand): 5'-TGAGTAACCTCACTGGGCTGGTCATCTTTTTCCCTCCTCCCCAAAACCATTACAAAACGG[C>T]CCACTTACTGGTAGATTTTCTTTTTGCTGTAGAGCTGCCTTCTTCTTCCACAGCCGGTCC-3'